The following is an entry in ClinVar:

ClinVar aggregate classification (germline): Uncertain significance. Review status: criteria provided, multiple submitters, no conflicts (2 of 4 stars). 5 submissions from 5 submitters: Uncertain significance (4). 1 of the submissions does not count toward it. Last evaluated 2025-02-04.

Conditions:
Inborn genetic diseases. Identifiers: MedGen C0950123, MeSH D030342.
Neuromuscular disease caused by qualitative or quantitative defects of dysferlin. Also called: Dysferlinopathy; Qualitative or quantitative defects of dysferlin. Identifiers: Orphanet 207073, MedGen C2931687, MONDO:0016145.
Autosomal recessive limb-girdle muscular dystrophy type 2B (LGMDR2). Also called: MUSCULAR DYSTROPHY, LIMB-GIRDLE, AUTOSOMAL RECESSIVE 2; MUSCULAR DYSTROPHY, LIMB-GIRDLE, TYPE 3; Limb-girdle muscular dystrophy, type 2B; Limb-Girdle Muscular Dystrophy Type 2B (LGMD2B). Identifiers: Orphanet 268, MedGen C1850889, MONDO:0009676, OMIM 253601.

Allele frequency attached by ClinVar (database versions not stated): ExAC 0.00001; gnomAD exomes 0.00001; gnomAD 0.00003 and 0.00004; TOPMed 0.00005.

Submissions (5):

Ambry Genetics
Classification: Uncertain significance for Inborn genetic diseases. Last evaluated: 2025-02-04. Review status: criteria provided, single submitter. Criteria: Ambry Variant Classification Scheme 2023. Collection method: clinical testing. Allele origin: germline.

Labcorp Genetics (formerly Invitae), Labcorp
Classification: Uncertain significance for Neuromuscular disease caused by qualitative or quantitative defects of dysferlin. Last evaluated: 2022-09-27. Review status: criteria provided, single submitter. Criteria: Invitae Variant Classification Sherloc (09022015). Collection method: clinical testing. Allele origin: germline.
Comment: This sequence change replaces serine, which is neutral and polar, with cysteine, which is neutral and slightly polar, at codon 289 of the DYSF protein (p.Ser289Cys). This variant is present in population databases (rs776921154, gnomAD 0.004%). This variant has not been reported in the literature in individuals affected with DYSF-related conditions. ClinVar contains an entry for this variant (Variation ID: 502094). Advanced modeling of protein sequence and biophysical properties (such as structural, functional, and spatial information, amino acid conservation, physicochemical variation, residue mobility, and thermodynamic stability) has been performed at Invitae for this missense variant, however the output from this modeling did not meet the statistical confidence thresholds required to predict the impact of this variant on DYSF protein function. In summary, the available evidence is currently insufficient to determine the role of this variant in disease. Therefore, it has been classified as a Variant of Uncertain Significance.

Revvity Omics, Revvity
Classification: Uncertain significance. Last evaluated: 2019-06-10. Review status: criteria provided, single submitter. Criteria: ACMG Guidelines, 2015. Collection method: clinical testing. Allele origin: germline.

Eurofins Ntd Llc (ga)
Classification: Uncertain significance. Last evaluated: 2017-05-23. Review status: criteria provided, single submitter. Criteria: EGL Classification Definitions 2015. Collection method: clinical testing. Allele origin: germline. Observed: 1 variant allele, 1 heterozygote.

Natera, Inc.
Classification: Uncertain significance for Limb-girdle muscular dystrophy type 2B. Last evaluated: 2020-05-06. Review status: no assertion criteria provided. Collection method: clinical testing. Allele origin: germline. Not counted in ClinVar's aggregate classification.

NM_001130987.2(DYSF):c.962C>G (p.Ser321Cys)

Gene: DYSF (dysferlin; plus strand). Cytogenetic location: 2p13.2.
Variant type: single nucleotide variant.
Coding change: c.962C>G on transcript NM_001130987.2 (MANE Select); coding-DNA position 962, C replaced by G.
Protein change: p.Ser321Cys; replaces serine 321 with cysteine.
Molecular consequence: missense variant.
Genome position (GRCh38, 1-based): chr2:71,516,999, C>G. VCF-style: chr2-71516999-C-G. GRCh37 (hg19) VCF-style: chr2-71744129-C-G.
Other names: c.869C>G, p.Ser290Cys (NM_001130455.2, NM_001130983.2, NM_001130984.2 and 1 more transcripts); c.866C>G, p.Ser289Cys (NM_001130976.2, NM_001130977.2, NM_001130978.2 and 1 more transcripts); c.959C>G, p.Ser320Cys (NM_001130979.2, NM_001130980.2, NM_001130981.2); c.962C>G, p.Ser321Cys (NM_001130982.2, NM_001130985.2); short protein forms S289C, S321C, S320C, S290C.
Identifiers: ClinVar variation 502094 (VCV000502094.11), dbSNP rs776921154, ClinGen allele CA1705536.